The following is an entry in ClinVar:

ClinVar aggregate classification (germline): Pathogenic (1 of 4 stars; one submission).

Conditions:
Primary ciliary dyskinesia. Also called: Ciliary dyskinesia. Identifiers: Orphanet 244, MedGen C0008780, MONDO:0016575, HP:0012265.

Submission:

Labcorp Genetics (formerly Invitae), Labcorp
Classification: Pathogenic for Primary ciliary dyskinesia. Last evaluated: 2023-12-11. Review status: criteria provided, single submitter. Criteria: Invitae Variant Classification Sherloc (09022015). Collection method: clinical testing. Allele origin: germline.
Comment: This sequence change creates a premature translational stop signal (p.Trp3437*) in the DNAH11 gene. It is expected to result in an absent or disrupted protein product. Loss-of-function variants in DNAH11 are known to be pathogenic (PMID: 18022865, 20513915, 22184204). This variant is not present in population databases (gnomAD no frequency). This variant has not been reported in the literature in individuals affected with DNAH11-related conditions. ClinVar contains an entry for this variant (Variation ID: 2017280). For these reasons, this variant has been classified as Pathogenic.

Literature cited by the submitters: PubMed 18022865; PubMed 20513915; PubMed 22184204.

NM_001277115.2(DNAH11):c.10311G>A (p.Trp3437Ter)

Gene: DNAH11 (dynein axonemal heavy chain 11; plus strand). Cytogenetic location: 7p15.3.
Variant type: single nucleotide variant.
Coding change: c.10311G>A on transcript NM_001277115.2 (MANE Select); coding-DNA position 10311, G replaced by A.
Protein change: p.Trp3437Ter; replaces tryptophan 3437 with a stop codon.
Molecular consequence: nonsense.
Genome position (GRCh38, 1-based): chr7:21,808,028, G>A. VCF-style: chr7-21808028-G-A. GRCh37 (hg19) VCF-style: chr7-21847646-G-A.
Other names: c.10332G>A, p.Trp3444Ter (NM_003777.3); short protein forms W3437*, W3444*.
Identifiers: ClinVar variation 2017280 (VCV002017280.4), dbSNP rs2535331758, ClinGen allele CA366946576.